The following is an entry in ClinVar:

ClinVar aggregate classification (germline): Uncertain significance (1 of 4 stars; one submission).

Conditions:
Malignant hyperthermia, susceptibility to, 1 (MHS1). Also called: Anesthesia related hyperthermia; Malignant hyperpyrexia; Fulminating hyperpyrexia; Pharmacogenic myopathy; RYR1-Related Malignant Hyperthermia Susceptibility; Malignant hyperthermia suceptibility 1. Identifiers: Orphanet 423, MedGen C2930980, MONDO:0007783, OMIM 145600.

gnomAD v4.1: 3 of 1,614,112 alleles (0.00019%); highest among the groups gnomAD compares: Non-Finnish European, 0.00025%; no homozygotes.

Submission:

All of Us Research Program, National Institutes of Health
Classification: Uncertain significance for Malignant hyperthermia, susceptibility to, 1. Last evaluated: 2023-12-01. Review status: criteria provided, single submitter. Criteria: ACMG Guidelines, 2015. Collection method: clinical testing. Allele origin: germline. Inheritance: Autosomal dominant inheritance. Observed: 1 variant allele, 1 heterozygote.
Comment: This study involves interpretation of variants in research participants for the purpose of population health screening. Participant phenotype was not available at the time of variant classification. Additional details can be found in publication PMID: 35346344, PMCID: PMC8962531

NM_000540.3(RYR1):c.2697C>G (p.Asn899Lys)

Gene: RYR1 (ryanodine receptor 1; plus strand). Cytogenetic location: 19q13.2.
Variant type: single nucleotide variant.
Coding change: c.2697C>G on transcript NM_000540.3 (MANE Select); coding-DNA position 2697, C replaced by G.
Protein change: p.Asn899Lys; replaces asparagine 899 with lysine.
Molecular consequence: missense variant.
Genome position (GRCh38, 1-based): chr19:38,463,761, C>G. VCF-style: chr19-38463761-C-G. GRCh37 (hg19) VCF-style: chr19-38954401-C-G.
Other names: c.2697C>G, p.Asn899Lys (NM_001042723.2); short protein forms N899K.
Identifiers: ClinVar variation 3074425 (VCV003074425.1), dbSNP rs201401814, ClinGen allele CA063802.